The following is an entry in ClinVar:

NM_004006.3(DMD):c.8006C>T (p.Ser2669Phe)

Gene: DMD (dystrophin; minus strand). Cytogenetic location: Xp21.1.
Variant type: single nucleotide variant.
Coding change: c.8006C>T on transcript NM_004006.3 (MANE Select); coding-DNA position 8006, C replaced by T.
Protein change: p.Ser2669Phe; replaces serine 2669 with phenylalanine.
Molecular consequence: missense variant.
Genome position (GRCh38, 1-based): chrX:31,658,011, G>A on the plus strand (C>T on the coding strand, the complement: DMD is on the minus strand). VCF-style: chrX-31658011-G-A. GRCh37 (hg19) VCF-style: chrX-31676128-G-A.
Other names: c.7982C>T, p.Ser2661Phe (NM_000109.4); c.7994C>T, p.Ser2665Phe (NM_004009.3); c.7637C>T, p.Ser2546Phe (NM_004010.3); c.3983C>T, p.Ser1328Phe (NM_004011.4); c.3974C>T, p.Ser1325Phe (NM_004012.4); c.626C>T, p.Ser209Phe (NM_004013.3, NM_004020.4, NM_004021.3 and 2 more transcripts); short protein forms S1325F, S1328F, S209F, S2546F, S2661F, S2665F, S2669F.
Identifiers: ClinVar variation 2444698 (VCV002444698.1), dbSNP rs2528807268, ClinGen allele CA412655762.

ClinVar aggregate classification (germline): Uncertain significance (1 of 4 stars; one submission).

Submission:

GeneDx
Classification: Uncertain significance. Last evaluated: 2022-09-14. Review status: criteria provided, single submitter. Criteria: GeneDx Variant Classification Process June 2021. Collection method: clinical testing. Allele origin: germline. Affected: yes.
Comment: Not observed at significant frequency in large population cohorts (gnomAD); In silico analysis supports that this missense variant has a deleterious effect on protein structure/function; Missense variant in a gene in which most reported pathogenic variants are truncating/loss of function; Has not been previously published as pathogenic or benign to our knowledge; This variant is associated with the following publications: (PMID: 19377476)